The following is an entry in ClinVar:

ClinVar aggregate classification (germline): Uncertain significance (1 of 4 stars; one submission).

Submission:

Labcorp Genetics (formerly Invitae), Labcorp
Classification: Uncertain significance. Last evaluated: 2025-07-14. Review status: criteria provided, single submitter. Criteria: Invitae Variant Classification Sherloc (09022015). Collection method: clinical testing. Allele origin: germline.
Comment: This sequence change replaces glutamic acid, which is acidic and polar, with lysine, which is basic and polar, at codon 312 of the C8A protein (p.Glu312Lys). This variant is not present in population databases (gnomAD no frequency). This variant has not been reported in the literature in individuals affected with C8A-related conditions. ClinVar contains an entry for this variant (Variation ID: 2110004). An algorithm developed to predict the effect of missense changes on protein structure and function (PolyPhen-2) suggests that this variant is likely to be disruptive. In summary, the available evidence is currently insufficient to determine the role of this variant in disease. Therefore, it has been classified as a Variant of Uncertain Significance.

NM_000562.3(C8A):c.934G>A (p.Glu312Lys)

Gene: C8A (complement C8 alpha chain; plus strand). Cytogenetic location: 1p32.2.
Variant type: single nucleotide variant.
Coding change: c.934G>A on transcript NM_000562.3 (MANE Select); coding-DNA position 934, G replaced by A.
Protein change: p.Glu312Lys; replaces glutamic acid 312 with lysine.
Molecular consequence: missense variant.
Genome position (GRCh38, 1-based): chr1:56,886,005, G>A. VCF-style: chr1-56886005-G-A. GRCh37 (hg19) VCF-style: chr1-57351678-G-A.
Other names: short protein forms E312K.
Identifiers: ClinVar variation 2110004 (VCV002110004.4), dbSNP rs2522552631, ClinGen allele CA340508788.
Genomic context (GRCh38, chr1:56,886,005, plus strand): 5'-ATCTTCACAAAGGTGCAGACTGCACATTTTAAGATGAGGAAGGATGACATTATGCTGGAT[G>A]AAGGAATGCTGCAGTCATTAATGGAGCTTCCAGATCAGTACAATTATGGCATGTATGCCA-3'
Protein context (NP_000553.1, residues 302-322): KMRKDDIMLD[Glu312Lys]GMLQSLMELP